The following is an entry in ClinVar:

ClinVar aggregate classification (germline): Uncertain significance (1 of 4 stars; one submission).

Allele frequency attached by ClinVar (database versions not stated): gnomAD exomes below 0.00001.
gnomAD v4.1: 6 of 1,613,050 alleles (0.00037%); highest among the groups gnomAD compares: Non-Finnish European, 0.00051%; no homozygotes.

Submission:

Labcorp Genetics (formerly Invitae), Labcorp
Classification: Uncertain significance. Last evaluated: 2023-03-20. Review status: criteria provided, single submitter. Criteria: Invitae Variant Classification Sherloc (09022015). Collection method: clinical testing. Allele origin: germline.
Comment: This variant has not been reported in the literature in individuals affected with IKZF1-related conditions. This sequence change affects codon 47 of the IKZF1 mRNA. It is a 'silent' change, meaning that it does not change the encoded amino acid sequence of the IKZF1 protein. This variant is not present in population databases (gnomAD no frequency). Experimental studies and prediction algorithms are not available or were not evaluated, and the effect of this variant on mRNA splicing is currently unknown. In summary, the available evidence is currently insufficient to determine the role of this variant in disease. Therefore, it has been classified as a Variant of Uncertain Significance.

NM_006060.6(IKZF1):c.141C>A (p.Ser47=)

Gene: IKZF1 (IKAROS family zinc finger 1; plus strand). Cytogenetic location: 7p12.2.
Variant type: single nucleotide variant.
Coding change: c.141C>A on transcript NM_006060.6 (MANE Select); coding-DNA position 141, C replaced by A.
Protein change: p.Ser47=; no amino-acid change (serine 47 retained).
Molecular consequence: synonymous variant.
Genome position (GRCh38, 1-based): chr7:50,327,738, C>A. VCF-style: chr7-50327738-C-A. GRCh37 (hg19) VCF-style: chr7-50367334-C-A.
Other names: c.141C>A, p.Ser47= (NM_001220767.2, NM_001220768.2, NM_001220770.2 and 14 more transcripts).
Identifiers: ClinVar variation 2847793 (VCV002847793.3), dbSNP rs2536620265, ClinGen allele CA455068372.